The following is an entry in ClinVar:

ClinVar aggregate classification (germline): Uncertain significance. Review status: criteria provided, multiple submitters, no conflicts (2 of 4 stars). 2 submissions from 2 submitters: Uncertain significance (2). Last evaluated 2023-12-16.

Conditions:
Inborn genetic diseases. Identifiers: MedGen C0950123, MeSH D030342.

Allele frequency attached by ClinVar (database versions not stated): gnomAD exomes below 0.00001.
gnomAD v4.1: 2 of 1,614,162 alleles (0.00012%); highest among the groups gnomAD compares: Non-Finnish European, 0.00017%; no homozygotes.

Submissions (2):

Ambry Genetics
Classification: Uncertain significance for Inborn genetic diseases. Last evaluated: 2023-12-16. Review status: criteria provided, single submitter. Criteria: Ambry Variant Classification Scheme 2023. Collection method: clinical testing. Allele origin: germline.

Labcorp Genetics (formerly Invitae), Labcorp
Classification: Uncertain significance. Last evaluated: 2022-06-03. Review status: criteria provided, single submitter. Criteria: Invitae Variant Classification Sherloc (09022015). Collection method: clinical testing. Allele origin: germline.
Comment: This sequence change replaces aspartic acid, which is acidic and polar, with glycine, which is neutral and non-polar, at codon 181 of the ADAM9 protein (p.Asp181Gly). This variant is not present in population databases (gnomAD no frequency). This variant has not been reported in the literature in individuals affected with ADAM9-related conditions. ClinVar contains an entry for this variant (Variation ID: 1051161). Algorithms developed to predict the effect of missense changes on protein structure and function (SIFT, PolyPhen-2, Align-GVGD) all suggest that this variant is likely to be tolerated. Algorithms developed to predict the effect of sequence changes on RNA splicing suggest that this variant may create or strengthen a splice site. In summary, the available evidence is currently insufficient to determine the role of this variant in disease. Therefore, it has been classified as a Variant of Uncertain Significance.

NM_003816.3(ADAM9):c.542A>G (p.Asp181Gly)

Gene: ADAM9 (ADAM metallopeptidase domain 9; plus strand). Cytogenetic location: 8p11.22.
Variant type: single nucleotide variant.
Coding change: c.542A>G on transcript NM_003816.3 (MANE Select); coding-DNA position 542, A replaced by G.
Protein change: p.Asp181Gly; replaces aspartic acid 181 with glycine.
Molecular consequence: missense variant. On other transcripts: non-coding transcript variant (3).
Genome position (GRCh38, 1-based): chr8:39,017,350, A>G. VCF-style: chr8-39017350-A-G. GRCh37 (hg19) VCF-style: chr8-38874869-A-G.
Other names: c.542A>G (NM_003816.2); short protein forms D181G.
Identifiers: ClinVar variation 1051161 (VCV001051161.3), dbSNP rs750724868, ClinGen allele CA370753501.